The following is an entry in ClinVar:

NM_000528.4(MAN2B1):c.2309C>T (p.Pro770Leu)

Gene: MAN2B1 (mannosidase alpha class 2B member 1; minus strand). Cytogenetic location: 19p13.13.
Variant type: single nucleotide variant.
Coding change: c.2309C>T on transcript NM_000528.4 (MANE Select); coding-DNA position 2309, C replaced by T.
Protein change: p.Pro770Leu; replaces proline 770 with leucine.
Molecular consequence: missense variant.
Genome position (GRCh38, 1-based): chr19:12,649,387, G>A on the plus strand (C>T on the coding strand, the complement: MAN2B1 is on the minus strand). VCF-style: chr19-12649387-G-A. GRCh37 (hg19) VCF-style: chr19-12760201-G-A.
Other names: c.2306C>T, p.Pro769Leu (NM_001173498.2); short protein forms P769L, P770L.
Identifiers: ClinVar variation 2190972 (VCV002190972.2), dbSNP rs764964301, ClinGen allele CA9226083.
Genomic context (GRCh38, chr19:12,649,387, plus strand): 5'-TGGGGGAGAGCTACCGTGATGTAAATCCGGGTGTTGACTGGATAGTAGTTTCCTGCCACG[G>A]GCTCCGTCTGGTTCAGTTTCCAGGTGGGTCGATAATCCCGCCTGGGGTTGGGGGTGAGCT-3'
Protein context (NP_000519.2, residues 760-780): RPTWKLNQTE[Pro770Leu]VAGNYYPVNT

ClinVar aggregate classification (germline): Uncertain significance (1 of 4 stars; one submission).

Conditions:
Deficiency of alpha-mannosidase (MANSA). Also called: LYSOSOMAL ALPHA-D-MANNOSIDASE DEFICIENCY; Alpha-Mannosidosis; Mannosidosis, alpha-, types I and II. Identifiers: Orphanet 61, MedGen C0024748, MONDO:0009561, OMIM 248500.

Allele frequency attached by ClinVar (database versions not stated): TOPMed below 0.00001; gnomAD 0.00001; ExAC 0.00002; gnomAD exomes 0.00002.
gnomAD v4.1: 25 of 1,613,128 alleles (0.0015%); highest among the groups gnomAD compares: Non-Finnish European, 0.0021%; no homozygotes.

Submission:

Labcorp Genetics (formerly Invitae), Labcorp
Classification: Uncertain significance for Deficiency of alpha-mannosidase. Last evaluated: 2025-06-16. Review status: criteria provided, single submitter. Criteria: Invitae Variant Classification Sherloc (09022015). Collection method: clinical testing. Allele origin: germline.
Comment: This sequence change replaces proline, which is neutral and non-polar, with leucine, which is neutral and non-polar, at codon 770 of the MAN2B1 protein (p.Pro770Leu). This variant is present in population databases (rs764964301, gnomAD 0.002%). This variant has not been reported in the literature in individuals affected with MAN2B1-related conditions. ClinVar contains an entry for this variant (Variation ID: 2190972). Invitae Evidence Modeling of protein sequence and biophysical properties (such as structural, functional, and spatial information, amino acid conservation, physicochemical variation, residue mobility, and thermodynamic stability) has been performed for this missense variant. However, the output from this modeling did not meet the statistical confidence thresholds required to predict the impact of this variant on MAN2B1 protein function. In summary, the available evidence is currently insufficient to determine the role of this variant in disease. Therefore, it has been classified as a Variant of Uncertain Significance.